The following is an entry in ClinVar:

NM_145698.5(ACBD5):c.1502_1503insCGT (p.Phe501_Ala502insVal)

Gene: ACBD5 (acyl-CoA binding domain containing 5; minus strand). Cytogenetic location: 10p12.1.
Variant type: Insertion.
Coding change: c.1502_1503insCGT on transcript NM_145698.5 (MANE Select); coding-DNA positions 1502 to 1503, CGT inserted.
Protein change: p.Phe501_Ala502insVal.
Molecular consequence: inframe insertion.
Genome position: GRCh38 VCF-style: chr10-27204502-A-AACG. GRCh37 (hg19) VCF-style: chr10-27493431-A-AACG.
Other names: c.1397_1398insCGT, p.Phe466_Ala467insVal (NM_001042473.4, NM_001352577.2, NM_001352578.2 and 1 more transcripts); c.1496_1497insCGT, p.Phe499_Ala500insVal (NM_001271512.3); c.1175_1176insCGT, p.Phe392_Ala393insVal (NM_001301251.2, NM_001301252.2, NM_001301253.2 and 2 more transcripts); c.971_972insCGT, p.Phe324_Ala325insVal (NM_001301254.2); c.1556_1557insCGT, p.Phe519_Ala520insVal (NM_001352568.1); c.1535_1536insCGT, p.Phe512_Ala513insVal (NM_001352569.1); c.1502_1503insCGT, p.Phe501_Ala502insVal (NM_001352570.1); c.1529_1530insCGT, p.Phe510_Ala511insVal (NM_001352571.1); and 10 more.
Identifiers: ClinVar variation 1516065 (VCV001516065.1), dbSNP rs763946485, ClinGen allele CA5450618.
Genomic context (GRCh38, chr10:27,204,502, plus strand): 5'-TCTCCTTCTTTGATAGTATAAATACACCAACCACTGTGCAATAAAAGGCCATATGATGGC[A>AACG]AACGTTAGCACACCAGGAGACATCTCGAAGGGCCACCAAGATGGTCTCTGAGAAAATACA-3'

ClinVar aggregate classification (germline): Uncertain significance (1 of 4 stars; one submission).

Submission:

Labcorp Genetics (formerly Invitae), Labcorp
Classification: Uncertain significance. Last evaluated: 2021-07-17. Review status: criteria provided, single submitter. Criteria: Invitae Variant Classification Sherloc (09022015). Collection method: clinical testing. Allele origin: germline.
Comment: This variant, c.1502_1503insCGT, results in the insertion of 1 amino acid(s) to the ACBD5 protein (p.Phe501_Ala502insVal), but otherwise preserves the integrity of the reading frame. The frequency data for this variant in the population databases is considered unreliable, as metrics indicate poor data quality at this position in the ExAC database. This variant has not been reported in the literature in individuals affected with ACBD5-related conditions. Experimental studies and prediction algorithms are not available or were not evaluated, and the functional significance of this variant is currently unknown. In summary, the available evidence is currently insufficient to determine the role of this variant in disease. Therefore, it has been classified as a Variant of Uncertain Significance.